The following is an entry in ClinVar:

NM_001191061.2(SLC25A22):c.-163-881C>T

Gene: SLC25A22 (solute carrier family 25 member 22; minus strand). Cytogenetic location: 11p15.5.
Variant type: single nucleotide variant.
Coding change: c.-163-881C>T on transcript NM_001191061.2 (MANE Select); 881 bases into the intron before 163 bases upstream of the start codon, C replaced by T.
Molecular consequence: intron variant. On other transcripts: 5 prime UTR variant (1).
Genome position (GRCh38, 1-based): chr11:796,050, G>A on the plus strand (C>T on the coding strand, the complement: SLC25A22 is on the minus strand). VCF-style: chr11-796050-G-A. GRCh37 (hg19) VCF-style: chr11-796050-G-A.
Other names: c.-171C>T (NM_024698.6); c.-163-881C>T (NM_001191060.2).
Identifiers: ClinVar variation 139128 (VCV000139128.5), dbSNP rs115490180, ClinGen allele CA293508.

ClinVar aggregate classification (germline): Benign. Review status: criteria provided, multiple submitters, no conflicts (2 of 4 stars). 2 submissions from 2 submitters: Benign (2). Last evaluated 2018-01-13.

Conditions:
Early Myoclonic Encephalopathy. Identifiers: MedGen C0270855.

Allele frequency attached by ClinVar (database versions not stated): gnomAD 0.02548 and 0.02531; 1000 Genomes Project 0.03315; 1000 Genomes Project 30x 0.03357; gnomAD exomes 0.00885; TOPMed 0.02747.
gnomAD v4.1: 3,817 of 152,344 alleles (2.5%); highest among the groups gnomAD compares: African/African-American, 8%; 147 homozygotes.

Submissions (2):

Illumina Laboratory Services, Illumina
Classification: Benign for Developmental and epileptic encephalopathy, 3. Last evaluated: 2018-01-13. Review status: criteria provided, single submitter. Criteria: ICSL Variant Classification Criteria 13 December 2019. Collection method: clinical testing. Allele origin: germline.
Comment: This variant was observed in the ICSL laboratory as part of a predisposition screen in an ostensibly healthy population. It had not been previously curated by ICSL or reported in the Human Gene Mutation Database (HGMD: prior to June 1st, 2018), and was therefore a candidate for classification through an automated scoring system. Utilizing variant allele frequency, disease prevalence and penetrance estimates, and inheritance mode, an automated score was calculated to assess if this variant is too frequent to cause the disease. Based on the score and internal cut-off values, a variant classified as benign is not then subjected to further curation. The score for this variant resulted in a classification of benign for this disease.

GeneDx
Classification: Benign. Last evaluated: 2012-03-22. Review status: criteria provided, single submitter. Criteria: GeneDx Variant Classification (06012015). Collection method: clinical testing. Allele origin: germline. Affected: yes.
Comment: This variant is considered likely benign or benign based on one or more of the following criteria: it is a conservative change, it occurs at a poorly conserved position in the protein, it is predicted to be benign by multiple in silico algorithms, and/or has population frequency not consistent with disease.